The following is an entry in ClinVar:

NM_001384900.1(SEMA3D):c.147del (p.Thr48_Tyr49insTer)

Gene: SEMA3D (semaphorin 3D; minus strand). Cytogenetic location: 7q21.11.
Variant type: Deletion.
Coding change: c.147del on transcript NM_001384900.1 (MANE Select); coding-DNA position 147, one base deleted (C; older notation c.147delC).
Protein change: p.Thr48_Tyr49insTer.
Molecular consequence: nonsense.
Genome position (GRCh38, 1-based): chr7:85,121,745, G deleted on the plus strand (C on the coding strand, the reverse complement: SEMA3D is on the minus strand). VCF-style (leftmost placement, unchanged base first): chr7-85121744-TG-T. GRCh37 (hg19) VCF-style: chr7-84751060-TG-T.
Other names: c.147del, p.Thr48_Tyr49insTer (NM_001384901.1, NM_001384902.1, NM_001384903.1 and 1 more transcripts).
Identifiers: ClinVar variation 4995731 (VCV004995731.1).

ClinVar aggregate classification (germline): Uncertain significance (1 of 4 stars; one submission).

Conditions:
SEMA3D-related disorder. Also called: SEMA3D-related condition.

Submission:

PreventionGenetics, part of Exact Sciences
Classification: Uncertain significance for SEMA3D-related condition. Last evaluated: 2025-09-09. Review status: criteria provided, single submitter. Criteria: ACMG Guidelines, 2015. Collection method: clinical testing. Allele origin: germline.
Comment: The SEMA3D c.147delC variant is predicted to result in premature protein termination (p.Tyr49*). To our knowledge, this variant has not been reported in the literature. This variant is reported in 0.0065% of alleles in individuals of European (Non-Finnish) descent in gnomAD. At this time, the clinical significance of this variant is uncertain due to the absence of conclusive functional and genetic evidence.